The following is an entry in ClinVar:

ClinVar aggregate classification (germline): Uncertain significance. Review status: criteria provided, multiple submitters, no conflicts (2 of 4 stars). 2 submissions from 2 submitters: Uncertain significance (2). Last evaluated 2026-09-15.

Conditions:
Inborn genetic diseases. Identifiers: MedGen C0950123, MeSH D030342.
TMC1-related disorder. Also called: TMC1-related disorders; TMC1-related condition.

Allele frequency attached by ClinVar (database versions not stated): gnomAD 0.00001; TOPMed 0.00001.
gnomAD v4.1: 26 of 1,613,866 alleles (0.0016%); highest among the groups gnomAD compares: Non-Finnish European, 0.0021%; no homozygotes.

Submissions (2):

PreventionGenetics, part of Exact Sciences
Classification: Uncertain significance for TMC1-related condition. Last evaluated: 2026-09-15. Review status: criteria provided, single submitter. Criteria: ACMG Guidelines, 2015. Collection method: clinical testing. Allele origin: germline.
Comment: The TMC1 c.1295A>C variant is predicted to result in the amino acid substitution p.Asp432Ala. To our knowledge, this variant has not been reported in the literature. This variant is reported in 0.0018% of alleles in individuals of European (Non-Finnish) descent in gnomAD. At this time, the clinical significance of this variant is uncertain due to the absence of conclusive functional and genetic evidence.

Ambry Genetics
Classification: Uncertain significance for Inborn genetic diseases. Last evaluated: 2022-08-08. Review status: criteria provided, single submitter. Criteria: Ambry Variant Classification Scheme 2023. Collection method: clinical testing. Allele origin: germline.

NM_138691.3(TMC1):c.1295A>C (p.Asp432Ala)

Gene: TMC1 (transmembrane channel like 1; plus strand). Cytogenetic location: 9q21.13.
Variant type: single nucleotide variant.
Coding change: c.1295A>C on transcript NM_138691.3 (MANE Select); coding-DNA position 1295, A replaced by C.
Protein change: p.Asp432Ala; replaces aspartic acid 432 with alanine.
Molecular consequence: missense variant.
Genome position (GRCh38, 1-based): chr9:72,791,956, A>C. VCF-style: chr9-72791956-A-C. GRCh37 (hg19) VCF-style: chr9-75406872-A-C.
Other names: short protein forms D432A.
Identifiers: ClinVar variation 2305776 (VCV002305776.3), dbSNP rs928648519, ClinGen allele CA193301122.